The following is an entry in ClinVar:

ClinVar aggregate classification (germline): Likely benign. Review status: criteria provided, multiple submitters, no conflicts (2 of 4 stars). 4 submissions from 4 submitters: Likely benign (3). 1 of the submissions does not count toward it. Last evaluated 2026-01-28.

Conditions:
CFTR-related disorder (CFTR-RD). Also called: CFTR-related condition; CFTR-related disorders. Identifiers: MedGen C5924204, MONDO:7770004.
Cystic fibrosis (CF). Also called: MUCOVISCIDOSIS. Identifiers: Orphanet 586, MedGen C0010674, MONDO:0009061, OMIM 219700. Disease mechanism: loss of function.

Allele frequency attached by ClinVar (database versions not stated): ExAC 0.00007; ESP Exome Variant Server 0.00008; TOPMed 0.00012; gnomAD exomes 0.00001 and 0.00003; 1000 Genomes Project 0.00040; 1000 Genomes Project 30x 0.00031.
gnomAD v4.1: 36 of 1,613,060 alleles (0.0022%); highest among the groups gnomAD compares: African/African-American, 0.035%; no homozygotes.

Submissions (4):

Women's Health and Genetics/Laboratory Corporation of America, LabCorp
Classification: Likely benign. Last evaluated: 2026-01-28. Review status: criteria provided, single submitter. Criteria: LabCorp Variant Classification Summary - May 2015. Collection method: clinical testing. Allele origin: germline.
Comment: Variant summary: CFTR c.2908+12G>C alters a nucleotide located at a position not widely known to affect splicing. Consensus agreement among computation tools predict no significant impact on normal splicing. However, these predictions have yet to be confirmed by functional studies. The variant allele was found at a frequency of 3.2e-05 in 250594 control chromosomes. The available data on variant occurrences in the general population are insufficient to allow any conclusion about variant significance. To our knowledge, no occurrence of c.2908+12G>C in individuals affected with CFTR-related conditions and no experimental evidence demonstrating its impact on protein function have been reported. ClinVar contains an entry for this variant (Variation ID: 1634832). Based on the evidence outlined above, the variant was classified as likely benign.

Labcorp Genetics (formerly Invitae), Labcorp
Classification: Likely benign for Cystic fibrosis. Last evaluated: 2025-05-30. Review status: criteria provided, single submitter. Criteria: Invitae Variant Classification Sherloc (09022015). Collection method: clinical testing. Allele origin: germline.

Ambry Genetics
Classification: Likely benign for Cystic fibrosis. Last evaluated: 2025-03-27. Review status: criteria provided, single submitter. Criteria: Ambry Variant Classification Scheme 2023. Collection method: clinical testing. Allele origin: germline.

PreventionGenetics, part of Exact Sciences
Classification: Likely benign for CFTR-related condition. Last evaluated: 2024-02-14. Review status: no assertion criteria provided. Collection method: clinical testing. Allele origin: germline. Not counted in ClinVar's aggregate classification.
Comment: This variant is classified as likely benign based on ACMG/AMP sequence variant interpretation guidelines (Richards et al. 2015 PMID: 25741868, with internal and published modifications).

NM_000492.4(CFTR):c.2908+12G>C

Gene: CFTR (CF transmembrane conductance regulator; plus strand). Cytogenetic location: 7q31.2.
Variant type: single nucleotide variant.
Coding change: c.2908+12G>C on transcript NM_000492.4 (MANE Select); 12 bases into the intron after coding-DNA position 2908, G replaced by C.
Molecular consequence: intron variant.
Genome position (GRCh38, 1-based): chr7:117,603,794, G>C. VCF-style: chr7-117603794-G-C. GRCh37 (hg19) VCF-style: chr7-117243848-G-C.
Other names: c.2908+12G>C (NM_000492.3).
Identifiers: ClinVar variation 1634832 (VCV001634832.12), dbSNP rs184074547, ClinGen allele CA4451311.